The following is an entry in ClinVar:

ClinVar aggregate classification (germline): Uncertain significance. Review status: criteria provided, multiple submitters, no conflicts (2 of 4 stars). 3 submissions from 3 submitters: Uncertain significance (3). Last evaluated 2024-08-14.

Conditions:
Inborn genetic diseases. Identifiers: MedGen C0950123, MeSH D030342.

Allele frequency attached by ClinVar (database versions not stated): TOPMed 0.00002; ExAC 0.00004.
gnomAD v4.1: 19 of 1,614,146 alleles (0.0012%); highest among the groups gnomAD compares: Admixed American, 0.032%; no homozygotes.

Submissions (3):

Ambry Genetics
Classification: Uncertain significance for Inborn genetic diseases. Last evaluated: 2024-08-14. Review status: criteria provided, single submitter. Criteria: Ambry Variant Classification Scheme 2023. Collection method: clinical testing. Allele origin: germline.

Labcorp Genetics (formerly Invitae), Labcorp
Classification: Uncertain significance. Last evaluated: 2022-10-24. Review status: criteria provided, single submitter. Criteria: Invitae Variant Classification Sherloc (09022015). Collection method: clinical testing. Allele origin: germline.
Comment: This sequence change replaces valine, which is neutral and non-polar, with glutamic acid, which is acidic and polar, at codon 105 of the LRAT protein (p.Val105Glu). This variant is present in population databases (rs774998317, gnomAD 0.05%). This variant has not been reported in the literature in individuals affected with LRAT-related conditions. ClinVar contains an entry for this variant (Variation ID: 1486816). Algorithms developed to predict the effect of missense changes on protein structure and function are either unavailable or do not agree on the potential impact of this missense change (SIFT: "Deleterious"; PolyPhen-2: "Benign"; Align-GVGD: "Class C0"). In summary, the available evidence is currently insufficient to determine the role of this variant in disease. Therefore, it has been classified as a Variant of Uncertain Significance.

Blueprint Genetics
Classification: Uncertain significance. Last evaluated: 2022-03-29. Review status: criteria provided, single submitter. Criteria: ACMG Guidelines, 2015. Collection method: clinical testing. Allele origin: germline.

NM_004744.5(LRAT):c.314T>A (p.Val105Glu)

Gene: LRAT (lecithin retinol acyltransferase; plus strand). Cytogenetic location: 4q32.1.
Variant type: single nucleotide variant.
Coding change: c.314T>A on transcript NM_004744.5 (MANE Select); coding-DNA position 314, T replaced by A.
Protein change: p.Val105Glu; replaces valine 105 with glutamic acid.
Molecular consequence: missense variant.
Genome position (GRCh38, 1-based): chr4:154,744,640, T>A. VCF-style: chr4-154744640-T-A. GRCh37 (hg19) VCF-style: chr4-155665792-T-A.
Other names: c.314T>A, p.Val105Glu (NM_001301645.2); c.314T>A (NM_004744.3); short protein forms V105E.
Identifiers: ClinVar variation 1486816 (VCV001486816.5), dbSNP rs774998317, ClinGen allele CA3115847.